The following is an entry in ClinVar:

NM_000264.5(PTCH1):c.1366A>C (p.Thr456Pro)

Gene: PTCH1 (patched 1; minus strand). Cytogenetic location: 9q22.32.
Variant type: single nucleotide variant.
Coding change: c.1366A>C on transcript NM_000264.5 (MANE Select); coding-DNA position 1366, A replaced by C.
Protein change: p.Thr456Pro; replaces threonine 456 with proline.
Molecular consequence: missense variant. On other transcripts: intron variant (1), non-coding transcript variant (1).
Genome position (GRCh38, 1-based): chr9:95,477,684, T>G on the plus strand (A>C on the coding strand, the complement: PTCH1 is on the minus strand). VCF-style: chr9-95477684-T-G. GRCh37 (hg19) VCF-style: chr9-98239966-T-G.
Other names: c.1168A>C, p.Thr390Pro (NM_001083602.3); c.1363A>C, p.Thr455Pro (NM_001083603.3); c.913A>C, p.Thr305Pro (NM_001083604.3, NM_001083605.3, NM_001083606.3 and 1 more transcripts); c.1347+371A>C (NM_001354918.2); short protein forms T305P, T390P, T455P, T456P.
Identifiers: ClinVar variation 850002 (VCV000850002.10), dbSNP rs1841168008, ClinGen allele CA374118649.

ClinVar aggregate classification (germline): Uncertain significance (1 of 4 stars; one submission).

Conditions:
Gorlin syndrome. Also called: Nevoid Basal Cell Carcinoma Syndrome; Basal cell nevus syndrome. Identifiers: Orphanet 377, MedGen C0004779, MONDO:0007187.

Submission:

Labcorp Genetics (formerly Invitae), Labcorp
Classification: Uncertain significance for Gorlin syndrome. Last evaluated: 2023-07-06. Review status: criteria provided, single submitter. Criteria: Invitae Variant Classification Sherloc (09022015). Collection method: clinical testing. Allele origin: germline.
Comment: This variant has not been reported in the literature in individuals affected with PTCH1-related conditions. In summary, the available evidence is currently insufficient to determine the role of this variant in disease. Therefore, it has been classified as a Variant of Uncertain Significance. Advanced modeling of protein sequence and biophysical properties (such as structural, functional, and spatial information, amino acid conservation, physicochemical variation, residue mobility, and thermodynamic stability) performed at Invitae indicates that this missense variant is not expected to disrupt PTCH1 protein function. ClinVar contains an entry for this variant (Variation ID: 850002). This variant is not present in population databases (gnomAD no frequency). This sequence change replaces threonine, which is neutral and polar, with proline, which is neutral and non-polar, at codon 456 of the PTCH1 protein (p.Thr456Pro).